The following is an entry in ClinVar:

ClinVar aggregate classification (germline): Uncertain significance (1 of 4 stars; one submission).

Conditions:
Bardet-Biedl syndrome (BBS). Identifiers: Orphanet 110, MedGen C0752166, MONDO:0015229.

Allele frequency attached by ClinVar (database versions not stated): gnomAD exomes below 0.00001; ExAC 0.00001.
gnomAD v4.1: 3 of 1,613,896 alleles (0.00019%); highest among the groups gnomAD compares: South Asian, 0.0033%; no homozygotes.

Submission:

Labcorp Genetics (formerly Invitae), Labcorp
Classification: Uncertain significance for Bardet-Biedl syndrome. Last evaluated: 2019-08-25. Review status: criteria provided, single submitter. Criteria: Invitae Variant Classification Sherloc (09022015). Collection method: clinical testing. Allele origin: germline.
Comment: Algorithms developed to predict the effect of sequence changes on RNA splicing suggest that this variant may disrupt the consensus splice site, but this prediction has not been confirmed by published transcriptional studies. In summary, the available evidence is currently insufficient to determine the role of this variant in disease. Therefore, it has been classified as a Variant of Uncertain Significance. This sequence change falls in intron 18 of the BBS9 gene. It does not directly change the encoded amino acid sequence of the BBS9 protein. This variant is present in population databases (rs769047017, ExAC 0.006%). This variant has not been reported in the literature in individuals with BBS9-related conditions.

NM_198428.3(BBS9):c.1963-6T>C

Gene: BBS9 (Bardet-Biedl syndrome 9; plus strand). Cytogenetic location: 7p14.3.
Variant type: single nucleotide variant.
Coding change: c.1963-6T>C on transcript NM_198428.3 (MANE Select); 6 bases into the intron before coding-DNA position 1963, T replaced by C.
Molecular consequence: intron variant.
Genome position (GRCh38, 1-based): chr7:33,387,986, T>C. VCF-style: chr7-33387986-T-C. GRCh37 (hg19) VCF-style: chr7-33427598-T-C.
Other names: c.1963-6T>C (NM_001348036.1, NM_001362679.1, NM_001348041.4 and 1 more transcripts); c.1690-6T>C (NM_001348038.3); c.1585-6T>C (NM_001348039.3); c.1948-6T>C (NM_001033605.2); c.1858-6T>C (NM_001033604.2); c.1843-6T>C (NM_014451.4, NM_001348040.3); c.1597-6T>C (NM_001348037.3, NM_001348045.3, NM_001348046.3); c.1828-6T>C (NM_001348042.3); and 1 more.
Identifiers: ClinVar variation 963092 (VCV000963092.9), dbSNP rs769047017, ClinGen allele CA4214567.
Genomic context (GRCh38, chr7:33,387,986, plus strand): 5'-GTATTTTTTCTTTAAAGATGTTTTTTGTGTCCATTTAATCTCAATTTAAGAAATTATTCA[T>C]TGCAGCTACGGATAAATGGTGAAAAATTAGAAGAACTCTTATCTGAGAGAGCTGTACAAT-3'